The following is an entry in ClinVar:

ClinVar aggregate classification (germline): Likely benign. Review status: criteria provided, multiple submitters, no conflicts (2 of 4 stars). 2 submissions from 2 submitters: Likely benign (2). Last evaluated 2025-11-15.

Allele frequency attached by ClinVar (database versions not stated): gnomAD 0.00006 and 0.00007; TOPMed 0.00010; gnomAD exomes 0.00015.
gnomAD v4.1: 90 of 1,467,396 alleles (0.0061%); highest among the groups gnomAD compares: Admixed American, 0.043%; no homozygotes.

Submissions (2):

Labcorp Genetics (formerly Invitae), Labcorp
Classification: Likely benign. Last evaluated: 2025-11-15. Review status: criteria provided, single submitter. Criteria: Invitae Variant Classification Sherloc (09022015). Collection method: clinical testing. Allele origin: germline.

CeGaT Center for Human Genetics Tuebingen
Classification: Likely benign. Last evaluated: 2023-01-01. Review status: criteria provided, single submitter. Criteria: CeGaT Center For Human Genetics Tuebingen Variant Classification Criteria Version 2. Collection method: clinical testing. Allele origin: germline. Affected: yes. Observed: 1 variant allele.
Comment: SPEG: BP4, BP7

NM_005876.5(SPEG):c.7317G>A (p.Ser2439=)

Genes: ASIC4-AS1 (ASIC4 antisense RNA 1; minus strand), SPEG (striated muscle enriched protein kinase; plus strand). Cytogenetic location: 2q35.
Variant type: single nucleotide variant.
Coding change: c.7317G>A on transcript NM_005876.5 (MANE Select); coding-DNA position 7317, G replaced by A.
Protein change: p.Ser2439=; no amino-acid change (serine 2439 retained).
Molecular consequence: synonymous variant.
Genome position (GRCh38, 1-based): chr2:219,484,780, G>A. VCF-style: chr2-219484780-G-A. GRCh37 (hg19) VCF-style: chr2-220349502-G-A.
Identifiers: ClinVar variation 1645803 (VCV001645803.32), dbSNP rs1044794035, ClinGen allele CA65992439.
Genomic context (GRCh38, chr2:219,484,780, plus strand): 5'-GACCCCTCCCGCGCAGCGCCACCCGGCCTGGGAGGCCCGCGGCGGGGACGGAGAGAGCTC[G>A]GAGGGCGGGAGCTCGGCGCGGGGCTCCCCGGTGCTGGCGATGCGCAGGCGGCTGAGCTTC-3'
Protein context (NP_005867.3, residues 2429-2449): WEARGGDGES[Ser2439=]EGGSSARGSP